The following is an entry in ClinVar:

ClinVar aggregate classification (germline): Uncertain significance. Review status: criteria provided, multiple submitters, no conflicts (2 of 4 stars). 2 submissions from 2 submitters: Uncertain significance (2). Last evaluated 2025-09-22.

Conditions:
Cardiovascular phenotype. Identifiers: MedGen CN230736.
Long QT syndrome (LQTS). Identifiers: MedGen C0023976, MeSH D008133, MONDO:0002442. Disease mechanism: loss of function. Inheritance: Various modes of inheritance.

Submissions (2):

Labcorp Genetics (formerly Invitae), Labcorp
Classification: Uncertain significance for Long QT syndrome. Last evaluated: 2025-09-22. Review status: criteria provided, single submitter. Criteria: Invitae Variant Classification Sherloc (09022015). Collection method: clinical testing. Allele origin: germline.
Comment: This sequence change replaces threonine, which is neutral and polar, with proline, which is neutral and non-polar, at codon 391 of the KCNQ1 protein (p.Thr391Pro). This variant is not present in population databases (gnomAD no frequency). This variant has not been reported in the literature in individuals affected with KCNQ1-related conditions. ClinVar contains an entry for this variant (Variation ID: 2567546). Invitae Evidence Modeling of protein sequence and biophysical properties (such as structural, functional, and spatial information, amino acid conservation, physicochemical variation, residue mobility, and thermodynamic stability) indicates that this missense variant is expected to disrupt KCNQ1 protein function with a positive predictive value of 95%. In summary, the available evidence is currently insufficient to determine the role of this variant in disease. Therefore, it has been classified as a Variant of Uncertain Significance.

Ambry Genetics
Classification: Uncertain significance for Cardiovascular phenotype. Last evaluated: 2023-04-18. Review status: criteria provided, single submitter. Criteria: Ambry Variant Classification Scheme 2023. Collection method: clinical testing. Allele origin: germline.
Comment: The p.T391P variant (also known as c.1171A>C), located in coding exon 9 of the KCNQ1 gene, results from an A to C substitution at nucleotide position 1171. The threonine at codon 391 is replaced by proline, an amino acid with highly similar properties. This amino acid position is highly conserved in available vertebrate species. In addition, this alteration is predicted to be deleterious by in silico analysis. Since supporting evidence is limited at this time, the clinical significance of this alteration remains unclear.

NM_000218.3(KCNQ1):c.1171A>C (p.Thr391Pro)

Gene: KCNQ1 (potassium voltage-gated channel subfamily Q member 1; plus strand). Cytogenetic location: 11p15.5.
Variant type: single nucleotide variant.
Coding change: c.1171A>C on transcript NM_000218.3 (MANE Select); coding-DNA position 1171, A replaced by C.
Protein change: p.Thr391Pro; replaces threonine 391 with proline.
Molecular consequence: missense variant.
Genome position (GRCh38, 1-based): chr11:2,587,612, A>C. VCF-style: chr11-2587612-A-C. GRCh37 (hg19) VCF-style: chr11-2608842-A-C.
Other names: c.1075A>C, p.Thr359Pro (NM_001406836.1); c.901A>C, p.Thr301Pro (NM_001406837.1); c.631A>C, p.Thr211Pro (NM_001406838.1); c.790A>C, p.Thr264Pro (NM_181798.2); short protein forms T391P, T211P, T301P, T359P, T264P.
Identifiers: ClinVar variation 2567546 (VCV002567546.5), dbSNP rs1440860258, ClinGen allele CA379134723.